The following is an entry in ClinVar:

ClinVar aggregate classification (germline): Uncertain significance. Review status: criteria provided, multiple submitters, no conflicts (2 of 4 stars). 2 submissions from 2 submitters: Uncertain significance (2). Last evaluated 2014-12-04.

Allele frequency attached by ClinVar (database versions not stated): ExAC 0.00002; gnomAD exomes 0.00001 and below 0.00001.

Submissions (2):

Stanford Center for Inherited Cardiovascular Disease, Stanford University
Classification: Uncertain significance. Last evaluated: 2014-12-04. Review status: criteria provided, single submitter. Criteria: ACMG Guidelines, 2015. Collection method: provider interpretation. Allele origin: germline.

GeneDx
Classification: Uncertain significance. Last evaluated: 2014-10-03. Review status: criteria provided, single submitter. Criteria: GeneDx Variant Classification (06012015). Collection method: clinical testing. Allele origin: germline. Affected: yes.
Comment: p.Ile183Thr (ATT>ACT): c.548 T>C in exon 7 of the SLC25A22 gene (NM_024698.5). The I183T variant has not been published as a mutation, nor has it been reported as a benign polymorphism to our knowledge. It was not observed in approximately 6,500 individuals of European and African American ancestry in the NHLBI Exome Sequencing Project, indicating it is not a common benign variant in these populations. The I183T variant is a non-conservative amino acid substitution, which is likely to impact secondary protein structure as these residues differ in polarity, charge, size and/or other properties. This substitution occurs at a position that is conserved across species, and in silico analysis predicts this variant is probably damaging to the protein structure/function. However, missense mutations in nearby residues have not been reported in association with SLC25A22-related disorders. Therefore, based on the currently available information, it is unclear whether this variant is a pathogenic mutation or a rare benign variant. The variant is found in EPILEPSY panel(s).

NM_001191061.2(SLC25A22):c.548T>C (p.Ile183Thr)

Gene: SLC25A22 (solute carrier family 25 member 22; minus strand). Cytogenetic location: 11p15.5.
Variant type: single nucleotide variant.
Coding change: c.548T>C on transcript NM_001191061.2 (MANE Select); coding-DNA position 548, T replaced by C.
Protein change: p.Ile183Thr; replaces isoleucine 183 with threonine.
Molecular consequence: missense variant.
Genome position (GRCh38, 1-based): chr11:792,592, A>G on the plus strand (T>C on the coding strand, the complement: SLC25A22 is on the minus strand). VCF-style: chr11-792592-A-G. GRCh37 (hg19) VCF-style: chr11-792592-A-G.
Other names: p.I183T:ATT>ACT; c.548T>C, p.Ile183Thr (NM_001191060.2, NM_024698.6); short protein forms I183T.
Identifiers: ClinVar variation 207177 (VCV000207177.4), dbSNP rs765513862, ClinGen allele CA318405.
Genomic context (GRCh38, chr11:792,592, plus strand): 5'-CACCTGCCCTGTGCCTCCTACCTGAGCAGCGTGGCCCCGAGTCCCTTGTAGAGACCGGCA[A>G]TGCCACGGCTCCGCAGCAGGTCGCGGGTCAGCTGGGTGGCCGTGGGCCGAGGGGCAGCTG-3'
Protein context (NP_001177990.1, residues 173-193): LTRDLLRSRG[Ile183Thr]AGLYKGLGAT